The following is an entry in ClinVar:

NM_145868.2(ANXA11):c.502C>A (p.Pro168Thr)

Gene: ANXA11 (annexin A11; minus strand). Cytogenetic location: 10q22.3.
Variant type: single nucleotide variant.
Coding change: c.502C>A on transcript NM_145868.2 (MANE Select); coding-DNA position 502, C replaced by A.
Protein change: p.Pro168Thr; replaces proline 168 with threonine.
Molecular consequence: missense variant.
Genome position (GRCh38, 1-based): chr10:80,169,028, G>T on the plus strand (C>A on the coding strand, the complement: ANXA11 is on the minus strand). VCF-style: chr10-80169028-G-T. GRCh37 (hg19) VCF-style: chr10-81928784-G-T.
Other names: c.502C>A, p.Pro168Thr (NM_001157.3, NM_001278407.2, NM_001278408.2 and 1 more transcripts); c.403C>A, p.Pro135Thr (NM_001278409.2); c.502C>A (NM_001157.2); short protein forms P135T, P168T.
Identifiers: ClinVar variation 3348678 (VCV003348678.2).

ClinVar aggregate classification (germline): Uncertain significance. Review status: criteria provided, single submitter (1 of 4 stars). 2 submissions from 2 submitters: Uncertain significance (1). 1 of the submissions does not count toward it. Last evaluated 2025-08-12.

Conditions:
Inborn genetic diseases. Identifiers: MedGen C0950123, MeSH D030342.
ANXA11-related disorder. Also called: ANXA11-related condition.

Submissions (2):

Ambry Genetics
Classification: Uncertain significance for Inborn genetic diseases. Last evaluated: 2025-08-12. Review status: criteria provided, single submitter. Criteria: Ambry Variant Classification Scheme 2023. Collection method: clinical testing. Allele origin: germline.

PreventionGenetics, part of Exact Sciences
Classification: Uncertain significance for ANXA11-related condition. Last evaluated: 2023-11-20. Review status: no assertion criteria provided. Collection method: clinical testing. Allele origin: germline. Not counted in ClinVar's aggregate classification.
Comment: The ANXA11 c.502C>A variant is predicted to result in the amino acid substitution p.Pro168Thr. To our knowledge, this variant has not been reported in the literature or in a large population database, indicating this variant is rare. At this time, the clinical significance of this variant is uncertain due to the absence of conclusive functional and genetic evidence.